The following is an entry in ClinVar:

ClinVar aggregate classification (germline): Uncertain significance (1 of 4 stars; one submission).

Conditions:
RYR1-related disorder. Also called: RYR1-related condition; RYR1-related disorders. Identifiers: MedGen CN239331.

gnomAD v4.1: 3 of 1,613,198 alleles (0.00019%); highest among the groups gnomAD compares: African/African-American, 0.0027%; no homozygotes.

Submission:

Labcorp Genetics (formerly Invitae), Labcorp
Classification: Uncertain significance for RYR1-related disorder. Last evaluated: 2024-03-01. Review status: criteria provided, single submitter. Criteria: Invitae Variant Classification Sherloc (09022015). Collection method: clinical testing. Allele origin: germline.
Comment: This sequence change replaces threonine, which is neutral and polar, with methionine, which is neutral and non-polar, at codon 15 of the RYR1 protein (p.Thr15Met). This variant is present in population databases (rs762955465, gnomAD 0.0009%). This variant has not been reported in the literature in individuals affected with RYR1-related conditions. An algorithm developed to predict the effect of missense changes on protein structure and function (PolyPhen-2) suggests that this variant is likely to be disruptive. In summary, the available evidence is currently insufficient to determine the role of this variant in disease. Therefore, it has been classified as a Variant of Uncertain Significance.

NM_000540.3(RYR1):c.44C>T (p.Thr15Met)

Gene: RYR1 (ryanodine receptor 1; plus strand). Cytogenetic location: 19q13.2.
Variant type: single nucleotide variant.
Coding change: c.44C>T on transcript NM_000540.3 (MANE Select); coding-DNA position 44, C replaced by T.
Protein change: p.Thr15Met; replaces threonine 15 with methionine.
Molecular consequence: missense variant.
Genome position (GRCh38, 1-based): chr19:38,433,873, C>T. VCF-style: chr19-38433873-C-T. GRCh37 (hg19) VCF-style: chr19-38924513-C-T.
Other names: c.44C>T, p.Thr15Met (NM_001042723.2); short protein forms T15M.
Identifiers: ClinVar variation 3628066 (VCV003628066.2).